The following is an entry in ClinVar:

ClinVar aggregate classification (germline): Uncertain significance (1 of 4 stars; one submission).

Allele frequency attached by ClinVar (database versions not stated): gnomAD exomes below 0.00001; TOPMed below 0.00001.
gnomAD v4.1: 1 of 1,398,836 alleles (0.000071%); highest among the groups gnomAD compares: Non-Finnish European, 0.0001%; no homozygotes.

Submission:

Labcorp Genetics (formerly Invitae), Labcorp
Classification: Uncertain significance. Last evaluated: 2023-04-24. Review status: criteria provided, single submitter. Criteria: Invitae Variant Classification Sherloc (09022015). Collection method: clinical testing. Allele origin: germline.
Comment: In summary, the available evidence is currently insufficient to determine the role of this variant in disease. Therefore, it has been classified as a Variant of Uncertain Significance. Variants that disrupt the consensus splice site are a relatively common cause of aberrant splicing (PMID: 17576681, 9536098). This variant has not been reported in the literature in individuals affected with POLR3F-related conditions. The frequency data for this variant in the population databases is considered unreliable, as metrics indicate poor data quality at this position in the gnomAD database. This sequence change falls in intron 4 of the POLR3F gene. It does not directly change the encoded amino acid sequence of the POLR3F protein. It affects a nucleotide within the consensus splice site.

Literature cited by the submitters: PubMed 17576681; PubMed 9536098.

NM_006466.4(POLR3F):c.316+3A>G

Gene: POLR3F (RNA polymerase III subunit F; plus strand). Cytogenetic location: 20p11.23.
Variant type: single nucleotide variant.
Coding change: c.316+3A>G on transcript NM_006466.4 (MANE Select); 3 bases into the intron after coding-DNA position 316, A replaced by G.
Molecular consequence: intron variant.
Genome position (GRCh38, 1-based): chr20:18,473,461, A>G. VCF-style: chr20-18473461-A-G. GRCh37 (hg19) VCF-style: chr20-18454105-A-G.
Other names: c.193+3A>G (NM_001282526.2); c.316+3A>G (NM_001410821.1).
Identifiers: ClinVar variation 2858850 (VCV002858850.3), dbSNP rs1243362611, ClinGen allele CA634859244.